The following is an entry in ClinVar:

NM_018230.3(NUP133):c.3079A>G (p.Thr1027Ala)

Gene: NUP133 (nucleoporin 133; minus strand). Cytogenetic location: 1q42.13.
Variant type: single nucleotide variant.
Coding change: c.3079A>G on transcript NM_018230.3 (MANE Select); coding-DNA position 3079, A replaced by G.
Protein change: p.Thr1027Ala; replaces threonine 1027 with alanine.
Molecular consequence: missense variant.
Genome position (GRCh38, 1-based): chr1:229,452,545, T>C on the plus strand (A>G on the coding strand, the complement: NUP133 is on the minus strand). VCF-style: chr1-229452545-T-C. GRCh37 (hg19) VCF-style: chr1-229588292-T-C.
Other names: short protein forms T1027A.
Identifiers: ClinVar variation 2913302 (VCV002913302.5), dbSNP rs765043363, ClinGen allele CA1443126.

ClinVar aggregate classification (germline): Uncertain significance. Review status: criteria provided, multiple submitters, no conflicts (2 of 4 stars). 2 submissions from 2 submitters: Uncertain significance (2). Last evaluated 2025-08-02.

Allele frequency attached by ClinVar (database versions not stated): gnomAD 0.00017; gnomAD exomes 0.00011; TOPMed 0.00039; ExAC 0.00008.
gnomAD v4.1: 192 of 1,613,630 alleles (0.012%); highest among the groups gnomAD compares: Admixed American, 0.058%; no homozygotes.

Submissions (2):

Dasa
Classification: Uncertain significance. Last evaluated: 2025-08-02. Review status: criteria provided, single submitter. Criteria: DASA Assertion Criteria. Collection method: clinical testing. Allele origin: germline.
Comment: NM_018230.3(NUP133):c.3079A>G (p.Thr1027Ala) is a missense variant that results in the substitution of threonine with alanine. This variant is rare in population databases. Computational prediction algorithms are consistent with a benign effect. The currently available literature and clinical evidence are not sufficient to establish a definitive association between this variant and the reported condition. Therefore, this variant is classified as a variant of uncertain significance.

Labcorp Genetics (formerly Invitae), Labcorp
Classification: Uncertain significance. Last evaluated: 2025-06-12. Review status: criteria provided, single submitter. Criteria: Invitae Variant Classification Sherloc (09022015). Collection method: clinical testing. Allele origin: germline.
Comment: This sequence change replaces threonine, which is neutral and polar, with alanine, which is neutral and non-polar, at codon 1027 of the NUP133 protein (p.Thr1027Ala). This variant is present in population databases (rs765043363, gnomAD 0.01%). This variant has not been reported in the literature in individuals affected with NUP133-related conditions. ClinVar contains an entry for this variant (Variation ID: 2913302). An algorithm developed to predict the effect of missense changes on protein structure and function (PolyPhen-2) suggests that this variant is likely to be tolerated. In summary, the available evidence is currently insufficient to determine the role of this variant in disease. Therefore, it has been classified as a Variant of Uncertain Significance.